The following is an entry in ClinVar:

NM_002816.5(PSMD12):c.1300_1301delinsAT (p.Ser434Ile)

Gene: PSMD12 (proteasome 26S subunit, non-ATPase 12; minus strand). Cytogenetic location: 17q24.2.
Variant type: Indel.
Coding change: c.1300_1301delinsAT on transcript NM_002816.5 (MANE Select); coding-DNA positions 1300 to 1301, TC replaced by AT.
Protein change: p.Ser434Ile; replaces serine 434 with isoleucine.
Molecular consequence: missense variant.
Genome position (GRCh38, 1-based): chr17:67,340,913-67,340,914, GA replaced by AT on the plus strand (TC replaced by AT on the coding strand, the reverse complement: PSMD12 is on the minus strand). VCF-style: chr17-67340913-GA-AT. GRCh37 (hg19) VCF-style: chr17-65337029-GA-AT.
Other names: c.1123_1124delinsAT, p.Ser375Ile (NM_001316341.2); c.1240_1241delinsAT, p.Ser414Ile (NM_174871.4); short protein forms S375I, S414I, S434I.
Identifiers: ClinVar variation 3392874 (VCV003392874.1).

ClinVar aggregate classification (germline): Uncertain significance (1 of 4 stars; one submission).

Submission:

GeneDx
Classification: Uncertain significance. Last evaluated: 2024-06-26. Review status: criteria provided, single submitter. Criteria: GeneDx Variant Classification Process June 2021. Collection method: clinical testing. Allele origin: germline. Affected: yes.
Comment: Not observed at significant frequency in large population cohorts (gnomAD); In silico analysis supports a deleterious effect on protein structure/function; Has not been previously published as pathogenic or benign to our knowledge